The following is an entry in ClinVar:

NM_004260.4(RECQL4):c.1844A>C (p.His615Pro)

Gene: RECQL4 (RecQ like helicase 4; minus strand). Cytogenetic location: 8q24.3.
Variant type: single nucleotide variant.
Coding change: c.1844A>C on transcript NM_004260.4 (MANE Select); coding-DNA position 1844, A replaced by C.
Protein change: p.His615Pro; replaces histidine 615 with proline.
Molecular consequence: missense variant.
Genome position (GRCh38, 1-based): chr8:144,514,223, T>G on the plus strand (A>C on the coding strand, the complement: RECQL4 is on the minus strand). VCF-style: chr8-144514223-T-G. GRCh37 (hg19) VCF-style: chr8-145739607-T-G.
Other names: short protein forms H615P.
Identifiers: ClinVar variation 638925 (VCV000638925.6), dbSNP rs1586810045, ClinGen allele CA372680666.
Genomic context (GRCh38, chr8:144,514,223, plus strand): 5'-CCCACCCCAGTTCACATATGGCTCACCTTGCAGACGCGCAGGTAGCAGGGCCGGAAGTTG[T>G]GGGACCACTGGGAGAGGCAGTGGGCCTCATCAATGCAGGCAAAAGCAACTGGAGGCAGCT-3'
Protein context (NP_004251.4, residues 605-625): DEAHCLSQWS[His615Pro]NFRPCYLRVC

ClinVar aggregate classification (germline): Uncertain significance. Review status: criteria provided, multiple submitters, no conflicts (2 of 4 stars). 2 submissions from 2 submitters: Uncertain significance (2). Last evaluated 2025-04-09.

Conditions:
Baller-Gerold syndrome (BGS). Also called: CRANIOSYNOSTOSIS WITH RADIAL DEFECTS. Identifiers: Orphanet 1225, MedGen C0265308, MONDO:0009039, OMIM 218600.
Inborn genetic diseases. Identifiers: MedGen C0950123, MeSH D030342.

Allele frequency attached by ClinVar (database versions not stated): gnomAD exomes below 0.00001.

Submissions (2):

Ambry Genetics
Classification: Uncertain significance for Inborn genetic diseases. Last evaluated: 2025-04-09. Review status: criteria provided, single submitter. Criteria: Ambry Variant Classification Scheme 2023. Collection method: clinical testing. Allele origin: germline.
Comment: The p.H615P variant (also known as c.1844A>C), located in coding exon 11 of the RECQL4 gene, results from an A to C substitution at nucleotide position 1844. The histidine at codon 615 is replaced by proline, an amino acid with similar properties. This amino acid position is conserved. In addition, this alteration is predicted to be deleterious by in silico analysis. Based on the available evidence, the clinical significance of this variant remains unclear.

Labcorp Genetics (formerly Invitae), Labcorp
Classification: Uncertain significance for Baller-Gerold syndrome. Last evaluated: 2022-09-21. Review status: criteria provided, single submitter. Criteria: Invitae Variant Classification Sherloc (09022015). Collection method: clinical testing. Allele origin: germline.
Comment: This variant has not been reported in the literature in individuals affected with RECQL4-related conditions. In summary, the available evidence is currently insufficient to determine the role of this variant in disease. Therefore, it has been classified as a Variant of Uncertain Significance. ClinVar contains an entry for this variant (Variation ID: 638925). This variant is not present in population databases (gnomAD no frequency). This sequence change replaces histidine, which is basic and polar, with proline, which is neutral and non-polar, at codon 615 of the RECQL4 protein (p.His615Pro).